The following is an entry in ClinVar:

ClinVar aggregate classification (germline): Likely benign. Review status: criteria provided, multiple submitters, no conflicts (2 of 4 stars). 3 submissions from 3 submitters: Likely benign (2). 1 of the submissions does not count toward it. Last evaluated 2025-11-09.

Conditions:
ATP1A1-related disorder. Also called: ATP1A1-related condition.

Allele frequency attached by ClinVar (database versions not stated): gnomAD 0.00003 and 0.00004; gnomAD exomes 0.00005 and 0.00010; ESP Exome Variant Server 0.00008; ExAC 0.00010.
gnomAD v4.1: 72 of 1,606,772 alleles (0.0045%); highest among the groups gnomAD compares: South Asian, 0.051%; 1 homozygote.

Submissions (3):

Labcorp Genetics (formerly Invitae), Labcorp
Classification: Likely benign. Last evaluated: 2025-11-09. Review status: criteria provided, single submitter. Criteria: Invitae Variant Classification Sherloc (09022015). Collection method: clinical testing. Allele origin: germline.

Blueprint Genetics
Classification: Likely benign. Last evaluated: 2024-05-10. Review status: criteria provided, single submitter. Criteria: ACMG Guidelines, 2015. Collection method: clinical testing. Allele origin: germline.

PreventionGenetics, part of Exact Sciences
Classification: Likely benign for ATP1A1-related condition. Last evaluated: 2023-03-20. Review status: no assertion criteria provided. Collection method: clinical testing. Allele origin: germline. Not counted in ClinVar's aggregate classification.
Comment: This variant is classified as likely benign based on ACMG/AMP sequence variant interpretation guidelines (Richards et al. 2015 PMID: 25741868, with internal and published modifications).

NM_000701.8(ATP1A1):c.1920C>T (p.Thr640=)

Genes: ATP1A1 (ATPase Na+/K+ transporting subunit alpha 1; plus strand), ATP1A1-AS1 (ATP1A1 antisense RNA 1; minus strand). Cytogenetic location: 1p13.1.
Variant type: single nucleotide variant.
Coding change: c.1920C>T on transcript NM_000701.8 (MANE Select); coding-DNA position 1920, C replaced by T.
Protein change: p.Thr640=; no amino-acid change (threonine 640 retained).
Molecular consequence: synonymous variant.
Genome position (GRCh38, 1-based): chr1:116,396,681, C>T. VCF-style: chr1-116396681-C-T. GRCh37 (hg19) VCF-style: chr1-116939303-C-T.
Other names: c.1920C>T, p.Thr640= (NM_001160233.2); c.1827C>T, p.Thr609= (NM_001160234.2); c.1920C>T (NM_000701.7).
Identifiers: ClinVar variation 1544613 (VCV001544613.11), dbSNP rs369189037, ClinGen allele CA1025416.